The following is an entry in ClinVar:

ClinVar aggregate classification (germline): Uncertain significance (1 of 4 stars; one submission).

Conditions:
Neurodevelopmental disorder. Identifiers: MedGen C1535926, MeSH D065886, MONDO:0700092.

Allele frequency attached by ClinVar (database versions not stated): gnomAD exomes below 0.00001; TOPMed below 0.00001; gnomAD 0.00001.
gnomAD v4.1: 3 of 1,614,110 alleles (0.00019%); highest among the groups gnomAD compares: Non-Finnish European, 0.00025%; no homozygotes.

Submission:

Victorian Clinical Genetics Services, Murdoch Childrens Research Institute
Classification: Uncertain significance for Neurodevelopmental disorder. Last evaluated: 2022-02-02. Review status: criteria provided, single submitter. Criteria: ACMG Guidelines, 2015. Collection method: clinical testing. Allele origin: germline. Inheritance: Autosomal dominant inheritance. Affected: yes.
Comment: Based on the classification scheme VCGS_Germline_v1.3.4, this variant is classified as VUS-3B. Following criteria are met: 0105 - The mechanism of disease for this gene is not clearly established. However, haploinsufficiency has been suggested (PMID:31999386). (I) 0107 - This gene is associated with autosomal dominant disease. (I) 0200 - Variant is predicted to result in a missense amino acid change from aspartic acid to asparagine. (I) 0251 - This variant is heterozygous. (I) 0302 - Variant is present in gnomAD <0.001 for a dominant condition (v3: 1 heterozygote, 0 homozygotes). (SP) 0503 - Missense variant consistently predicted to be tolerated by multiple in silico tools or not conserved in placental mammals with a minor amino acid change. (SB) 0604 - Variant is not located in an established domain, motif, hotspot or informative constraint region. (I) 0705 - No comparable missense variants have previous evidence for pathogenicity. (I) 0807 - This variant has no previous evidence of pathogenicity. (I) 0905 - No published segregation evidence has been identified for this variant. (I) 1007 - No published functional evidence has been identified for this variant. (I) 1208 - Inheritance information for this variant is not currently available in this individual. (I) Legend: (SP) - Supporting pathogenic, (I) - Information, (SB) - Supporting benign

Literature cited by the submitters: PubMed 31999386.

NM_013450.4(BAZ2B):c.5599G>A (p.Asp1867Asn)

Gene: BAZ2B (bromodomain adjacent to zinc finger domain 2B; minus strand). Cytogenetic location: 2q24.2.
Variant type: single nucleotide variant.
Coding change: c.5599G>A on transcript NM_013450.4 (MANE Select); coding-DNA position 5599, G replaced by A.
Protein change: p.Asp1867Asn; replaces aspartic acid 1867 with asparagine.
Molecular consequence: missense variant.
Genome position (GRCh38, 1-based): chr2:159,337,628, C>T on the plus strand (G>A on the coding strand, the complement: BAZ2B is on the minus strand). VCF-style: chr2-159337628-C-T. GRCh37 (hg19) VCF-style: chr2-160194139-C-T.
Other names: c.5491G>A, p.Asp1831Asn (NM_001289975.1); c.5437G>A, p.Asp1813Asn (NM_001329857.2); c.5524G>A, p.Asp1842Asn (NM_001329858.2); short protein forms D1813N, D1831N, D1842N, D1867N.
Identifiers: ClinVar variation 1699166 (VCV001699166.3), dbSNP rs1166745502, ClinGen allele CA348923488.
Genomic context (GRCh38, chr2:159,337,628, plus strand): 5'-TTCTTTCAATGTTCCGCTCCAAATCAGCCAGCCTGGTTACAGCTATATCTAGGGGGTTGT[C>T]ACTCTTCCGTTCTAGTGCATGTGCACTGCTTTCGTCTTCGCCAGTAAATTCTCCATCATG-3'
Protein context (NP_038478.2, residues 1857-1877): SSAHALERKS[Asp1867Asn]NPLDIAVTRL